The following is an entry in ClinVar:

NM_013275.6(ANKRD11):c.3891C>T (p.Asn1297=)

Gene: ANKRD11 (ankyrin repeat domain 11; minus strand). Cytogenetic location: 16q24.3.
Variant type: single nucleotide variant.
Coding change: c.3891C>T on transcript NM_013275.6 (MANE Select); coding-DNA position 3891, C replaced by T.
Protein change: p.Asn1297=; no amino-acid change (asparagine 1297 retained).
Molecular consequence: synonymous variant.
Genome position (GRCh38, 1-based): chr16:89,282,651, G>A on the plus strand (C>T on the coding strand, the complement: ANKRD11 is on the minus strand). VCF-style: chr16-89282651-G-A. GRCh37 (hg19) VCF-style: chr16-89349059-G-A.
Other names: c.3891C>T, p.Asn1297= (NM_001256182.2, NM_001256183.2).
Identifiers: ClinVar variation 1879349 (VCV001879349.35), dbSNP rs762711506, ClinGen allele CA8242266.

ClinVar aggregate classification (germline): Likely benign. Review status: criteria provided, multiple submitters, no conflicts (2 of 4 stars). 3 submissions from 3 submitters: Likely benign (3). Last evaluated 2025-12-21.

Conditions:
KBG syndrome (KBGS). Also called: ANKRD11-Related KBG Syndrome. Identifiers: Orphanet 2332, MedGen C0220687, MONDO:0007846, OMIM 148050.

Allele frequency attached by ClinVar (database versions not stated): ExAC 0.00002; gnomAD 0.00002; TOPMed 0.00002.
gnomAD v4.1: 39 of 1,613,902 alleles (0.0024%); highest among the groups gnomAD compares: Admixed American, 0.0033%; no homozygotes.

Submissions (3):

Labcorp Genetics (formerly Invitae), Labcorp
Classification: Likely benign for KBG syndrome. Last evaluated: 2025-12-21. Review status: criteria provided, single submitter. Criteria: Invitae Variant Classification Sherloc (09022015). Collection method: clinical testing. Allele origin: germline.

Blueprint Genetics
Classification: Likely benign. Last evaluated: 2024-11-21. Review status: criteria provided, single submitter. Criteria: ACMG Guidelines, 2015. Collection method: clinical testing. Allele origin: germline.

CeGaT Center for Human Genetics Tuebingen
Classification: Likely benign. Last evaluated: 2022-10-01. Review status: criteria provided, single submitter. Criteria: CeGaT Center For Human Genetics Tuebingen Variant Classification Criteria Version 2. Collection method: clinical testing. Allele origin: germline. Affected: yes. Observed: 3 variant alleles.
Comment: ANKRD11: BP4, BP7